The following is an entry in ClinVar:

NM_000222.3(KIT):c.521G>C (p.Ser174Thr)

Gene: KIT (KIT proto-oncogene, receptor tyrosine kinase; plus strand). Cytogenetic location: 4q12.
Variant type: single nucleotide variant.
Coding change: c.521G>C on transcript NM_000222.3 (MANE Select); coding-DNA position 521, G replaced by C.
Protein change: p.Ser174Thr; replaces serine 174 with threonine.
Molecular consequence: missense variant.
Genome position (GRCh38, 1-based): chr4:54,698,467, G>C. VCF-style: chr4-54698467-G-C. GRCh37 (hg19) VCF-style: chr4-55564633-G-C.
Other names: c.521G>C, p.Ser174Thr (NM_001093772.2, NM_001385284.1, NM_001385285.1 and 4 more transcripts); short protein forms S174T.
Identifiers: ClinVar variation 458952 (VCV000458952.12), dbSNP rs758171174, ClinGen allele CA2923257.
Genomic context (GRCh38, chr4:54,698,467, plus strand): 5'-AGCCTCTTCCCAAGGACTTGAGGTTTATTCCTGACCCCAAGGCGGGCATCATGATCAAAA[G>C]TGTGAAACGCGCCTACCATCGGCTCTGTCTGCATTGTTCTGTGGACCAGGAGGGCAAGTC-3'
Protein context (NP_000213.1, residues 164-184): PDPKAGIMIK[Ser174Thr]VKRAYHRLCL

ClinVar aggregate classification (germline): Uncertain significance. Review status: criteria provided, multiple submitters, no conflicts (2 of 4 stars). 2 submissions from 2 submitters: Uncertain significance (2). Last evaluated 2025-11-20.

Conditions:
Gastrointestinal stromal tumor. Also called: Gastrointestinal stroma tumor; Gastrointestinal stromal tumor, somatic. Identifiers: Orphanet 44890, MedGen C0238198, MeSH D046152, MONDO:0011719, OMIM 606764, HP:0100723.
Hereditary cancer-predisposing syndrome. Also called: Tumor predisposition; Hereditary neoplastic syndrome; Neoplastic Syndromes, Hereditary; Hereditary Cancer Syndrome. Identifiers: Orphanet 140162, MedGen C0027672, MeSH D009386, MONDO:0015356.

Allele frequency attached by ClinVar (database versions not stated): gnomAD exomes below 0.00001; ExAC 0.00001.
gnomAD v4.1: 5 of 1,614,166 alleles (0.00031%); highest among the groups gnomAD compares: Non-Finnish European, 0.00034%; no homozygotes.

Submissions (2):

Ambry Genetics
Classification: Uncertain significance for Hereditary cancer-predisposing syndrome. Last evaluated: 2025-11-20. Review status: criteria provided, single submitter. Criteria: Ambry Variant Classification Scheme 2023. Collection method: clinical testing. Allele origin: germline.

Labcorp Genetics (formerly Invitae), Labcorp
Classification: Uncertain significance for Gastrointestinal stromal tumor. Last evaluated: 2025-06-01. Review status: criteria provided, single submitter. Criteria: Invitae Variant Classification Sherloc (09022015). Collection method: clinical testing. Allele origin: germline.
Comment: This sequence change replaces serine, which is neutral and polar, with threonine, which is neutral and polar, at codon 174 of the KIT protein (p.Ser174Thr). This variant is not present in population databases (gnomAD no frequency). This variant has not been reported in the literature in individuals affected with KIT-related conditions. ClinVar contains an entry for this variant (Variation ID: 458952). An algorithm developed to predict the effect of missense changes on protein structure and function (PolyPhen-2) suggests that this variant is likely to be tolerated. In summary, the available evidence is currently insufficient to determine the role of this variant in disease. Therefore, it has been classified as a Variant of Uncertain Significance.